The following is an entry in ClinVar:

NM_001130438.3(SPTAN1):c.6762+11G>A

Gene: SPTAN1 (spectrin alpha, non-erythrocytic 1; plus strand). Cytogenetic location: 9q34.11.
Variant type: single nucleotide variant.
Coding change: c.6762+11G>A on transcript NM_001130438.3 (MANE Select); 11 bases into the intron after coding-DNA position 6762, G replaced by A.
Molecular consequence: intron variant.
Genome position (GRCh38, 1-based): chr9:128,630,386, G>A. VCF-style: chr9-128630386-G-A. GRCh37 (hg19) VCF-style: chr9-131392665-G-A.
Other names: c.6825+11G>A (NM_001363759.2); c.6747+11G>A (NM_003127.4); c.6702+11G>A (NM_001363765.2); c.6687+11G>A (NM_001195532.2).
Identifiers: ClinVar variation 389782 (VCV000389782.11), dbSNP rs775553506, ClinGen allele CA5265893.

ClinVar aggregate classification (germline): Likely benign. Review status: criteria provided, multiple submitters, no conflicts (2 of 4 stars). 2 submissions from 2 submitters: Likely benign (2). Last evaluated 2025-11-27.

Conditions:
Early-infantile DEE. Also called: Ohtahara syndrome; Early infantile epileptic encephalopathy; Early infantile epileptic encephalopathy with suppression bursts. Identifiers: Orphanet 1934, MedGen C0393706, MONDO:0800491.

Allele frequency attached by ClinVar (database versions not stated): ExAC 0.00001; gnomAD 0.00003 and 0.00004; TOPMed 0.00003; gnomAD exomes 0.00004 and 0.00005.
gnomAD v4.1: 73 of 1,611,872 alleles (0.0045%); highest among the groups gnomAD compares: Non-Finnish European, 0.0054%; no homozygotes.

Submissions (2):

Labcorp Genetics (formerly Invitae), Labcorp
Classification: Likely benign for Early-infantile DEE. Last evaluated: 2025-11-27. Review status: criteria provided, single submitter. Criteria: Invitae Variant Classification Sherloc (09022015). Collection method: clinical testing. Allele origin: germline.

GeneDx
Classification: Likely benign. Last evaluated: 2017-09-28. Review status: criteria provided, single submitter. Criteria: GeneDx Variant Classification (06012015). Collection method: clinical testing. Allele origin: germline. Affected: yes.
Comment: This variant is considered likely benign or benign based on one or more of the following criteria: it is a conservative change, it occurs at a poorly conserved position in the protein, it is predicted to be benign by multiple in silico algorithms, and/or has population frequency not consistent with disease.